The following is an entry in ClinVar:

NM_004415.4(DSP):c.5550_5557delinsGTG (p.Gln1851fs)

Gene: DSP (desmoplakin; plus strand). Cytogenetic location: 6p24.3.
Variant type: Indel.
Coding change: c.5550_5557delinsGTG on transcript NM_004415.4 (MANE Select); coding-DNA positions 5550 to 5557, ACAGCGCC replaced by GTG.
Protein change: p.Gln1851fs; shifts the reading frame from glutamine 1851.
Molecular consequence: frameshift variant.
Genome position (GRCh38, 1-based): chr6:7,582,812-7,582,819, ACAGCGCC replaced by GTG. VCF-style: chr6-7582812-ACAGCGCC-GTG. GRCh37 (hg19) VCF-style: chr6-7583045-ACAGCGCC-GTG.
Other names: c.3753_3760delinsGTG, p.Gln1252fs (NM_001008844.3); c.4221_4228delinsGTG, p.Gln1408fs (NM_001319034.2); c.5550_5557delinsGTG (LRG_423t1); short protein forms Q1252fs, Q1408fs, Q1851fs.
Identifiers: ClinVar variation 199924 (VCV000199924.1), dbSNP rs1554108621, ClinGen allele CA006515.
Genomic context (GRCh38, chr6:7,582,812, plus strand): 5'-GAGGCTGGAGGATGAGCTGAATCGTGCAAAATCAACTCTAGAGGCAGAAACCAGGGTGAA[ACAGCGCC>GTG]TGGAGTGTGAGAAACAGCAAATTCAGAATGACCTGAATCAGTGGAAGACTCAATATTCCC-3'

ClinVar aggregate classification (germline): Pathogenic (1 of 4 stars; one submission).

Conditions:
Arrhythmogenic cardiomyopathy with wooly hair and keratoderma. Also called: Carvajal syndrome; Dilated cardiomyopathy with woolly hair and keratoderma; Arrhythmogenic cardiomyopathy with woolly hair and keratoderma; PALMOPLANTAR KERATODERMA WITH LEFT VENTRICULAR CARDIOMYOPATHY AND WOOLLY HAIR. Identifiers: Orphanet 65282, MedGen C1854063, MONDO:0011581, OMIM 605676.
Arrhythmogenic right ventricular dysplasia 8 (ARVD8). Also called: Arrhythmogenic Right Ventricular Dysplasia/Cardiomyopathy 8; ARRHYTHMOGENIC RIGHT VENTRICULAR CARDIOMYOPATHY 8; ARRHYTHMOGENIC RIGHT VENTRICULAR DYSPLASIA, FAMILIAL, 8. Identifiers: MedGen C1843896, MONDO:0011831, OMIM 607450.

Submission:

Labcorp Genetics (formerly Invitae), Labcorp
Classification: Pathogenic for Dilated cardiomyopathy with woolly hair and keratoderma; Arrhythmogenic right ventricular cardiomyopathy, type 8. Last evaluated: 2018-03-31. Review status: criteria provided, single submitter. Criteria: Invitae Variant Classification Sherloc (09022015). Collection method: clinical testing. Allele origin: germline.
Comment: This sequence change results in a premature translational stop signal in the DSP gene (p.Gln1851Cysfs*4).Â¬â€ While this is not anticipated to result in nonsense mediated decay, it is expected to result in a truncated DSP protein. This variant is not present in population databases (ExAC no frequency). This variant has not been reported in the literature in individuals with DSP-related disease. A different truncation (p.Thr2634Lysfs*4) that lies downstream of this variant has been determined to be pathogenic (PMID: 11063735). This suggests that deletion of this region of the DSP protein is causative of disease. For these reasons, this variant has been classified as Pathogenic.

Literature cited by the submitters: PubMed 11063735.